The following is an entry in ClinVar:

NM_000037.4(ANK1):c.682A>T (p.Arg228Ter)

Gene: ANK1 (ankyrin 1; minus strand). Cytogenetic location: 8p11.21.
Variant type: single nucleotide variant.
Coding change: c.682A>T on transcript NM_000037.4 (MANE Select); coding-DNA position 682, A replaced by T.
Protein change: p.Arg228Ter; replaces arginine 228 with a stop codon.
Molecular consequence: nonsense.
Genome position (GRCh38, 1-based): chr8:41,724,485, T>A on the plus strand (A>T on the coding strand, the complement: ANK1 is on the minus strand). VCF-style: chr8-41724485-T-A. GRCh37 (hg19) VCF-style: chr8-41582003-T-A.
Other names: c.781A>T, p.Arg261Ter (NM_001142446.2); c.682A>T, p.Arg228Ter (NM_020475.3, NM_020476.3, NM_020477.3); short protein forms R261*, R228*.
Identifiers: ClinVar variation 2746532 (VCV002746532.3), dbSNP rs2486976242, ClinGen allele CA371043255.

ClinVar aggregate classification (germline): Pathogenic (1 of 4 stars; one submission).

Submission:

Labcorp Genetics (formerly Invitae), Labcorp
Classification: Pathogenic. Last evaluated: 2023-05-29. Review status: criteria provided, single submitter. Criteria: Invitae Variant Classification Sherloc (09022015). Collection method: clinical testing. Allele origin: germline.
Comment: For these reasons, this variant has been classified as Pathogenic. This variant has not been reported in the literature in individuals affected with ANK1-related conditions. This variant is not present in population databases (gnomAD no frequency). This sequence change creates a premature translational stop signal (p.Arg228*) in the ANK1 gene. It is expected to result in an absent or disrupted protein product. Loss-of-function variants in ANK1 are known to be pathogenic (PMID: 8640229).

Literature cited by the submitters: PubMed 8640229.